The following is an entry in ClinVar:

ClinVar aggregate classification (germline): Uncertain significance (1 of 4 stars; one submission).

Allele frequency attached by ClinVar (database versions not stated): gnomAD exomes below 0.00001; TOPMed below 0.00001; gnomAD 0.00001.
gnomAD v4.1: 5 of 1,613,754 alleles (0.00031%); highest among the groups gnomAD compares: African/African-American, 0.0053%; no homozygotes.

Submission:

Ambry Genetics
Classification: Uncertain significance. Last evaluated: 2024-03-03. Review status: criteria provided, single submitter. Criteria: Ambry Variant Classification Scheme 2023. Collection method: clinical testing. Allele origin: germline.
Comment: The p.S643G variant (also known as c.1927A>G), located in coding exon 17 of the RAD54L gene, results from an A to G substitution at nucleotide position 1927. The serine at codon 643 is replaced by glycine, an amino acid with similar properties. This amino acid position is conserved. In addition, the in silico prediction for this alteration is inconclusive. Since supporting evidence is limited at this time, the clinical significance of this alteration remains unclear.

NM_003579.4(RAD54L):c.1927A>G (p.Ser643Gly)

Genes: LRRC41 (leucine rich repeat containing 41; minus strand), RAD54L (RAD54 like; plus strand). Cytogenetic location: 1p34.1.
Variant type: single nucleotide variant.
Coding change: c.1927A>G on transcript NM_003579.4 (MANE Select); coding-DNA position 1927, A replaced by G.
Protein change: p.Ser643Gly; replaces serine 643 with glycine.
Molecular consequence: missense variant. On other transcripts: 3 prime UTR variant (1).
Genome position (GRCh38, 1-based): chr1:46,277,874, A>G. VCF-style: chr1-46277874-A-G. GRCh37 (hg19) VCF-style: chr1-46743546-A-G.
Other names: c.*991T>C (NM_006369.5); c.1927A>G, p.Ser643Gly (NM_001142548.2); c.1387A>G, p.Ser463Gly (NM_001370766.1); short protein forms S463G, S643G.
Identifiers: ClinVar variation 1782785 (VCV001782785.2), dbSNP rs922365905, ClinGen allele CA21899950.
Genomic context (GRCh38, chr1:46,277,874, plus strand): 5'-CAGGCAGGGACCATTGAGGAGAAGATCTTCCAGCGTCAGAGCCACAAGAAGGCACTGAGC[A>G]GCTGTGTGGTGGATGAGGAGCAGGATGTAGAGCGCCACTTCTCTCTGGGCGAGTTGAAGG-3'
Protein context (NP_003570.2, residues 633-653): QRQSHKKALS[Ser643Gly]CVVDEEQDVE